The following is an entry in ClinVar:

ClinVar aggregate classification (germline): Pathogenic (1 of 4 stars; one submission).

Conditions:
Gorlin syndrome. Also called: Basal cell nevus syndrome; Nevoid Basal Cell Carcinoma Syndrome. Identifiers: Orphanet 377, MedGen C0004779, MONDO:0007187.

Submission:

Labcorp Genetics (formerly Invitae), Labcorp
Classification: Pathogenic for Gorlin syndrome. Last evaluated: 2022-09-18. Review status: criteria provided, single submitter. Criteria: Invitae Variant Classification Sherloc (09022015). Collection method: clinical testing. Allele origin: germline.
Comment: This sequence change creates a premature translational stop signal (p.Val687Cysfs*6) in the PTCH1 gene. It is expected to result in an absent or disrupted protein product. Loss-of-function variants in PTCH1 are known to be pathogenic (PMID: 16301862, 16419085). For these reasons, this variant has been classified as Pathogenic. This variant has not been reported in the literature in individuals affected with PTCH1-related conditions. This variant is not present in population databases (gnomAD no frequency).

Literature cited by the submitters: PubMed 16301862; PubMed 16419085.

NM_000264.5(PTCH1):c.2059del (p.Val687fs)

Genes: PTCH1 (patched 1; minus strand), LOC100507346 (uncharacterized LOC100507346; plus strand). Cytogenetic location: 9q22.32.
Variant type: Deletion.
Coding change: c.2059del on transcript NM_000264.5 (MANE Select); coding-DNA position 2059, one base deleted (G; older notation c.2059delG).
Protein change: p.Val687fs; shifts the reading frame from valine 687.
Molecular consequence: frameshift variant. On other transcripts: non-coding transcript variant (2).
Genome position (GRCh38, 1-based): chr9:95,468,942, C deleted on the plus strand (G on the coding strand, the reverse complement: PTCH1 is on the minus strand). VCF-style (leftmost placement, unchanged base first): chr9-95468941-AC-A. GRCh37 (hg19) VCF-style: chr9-98231223-AC-A.
Other names: c.1861del, p.Val621fs (NM_001083602.3); c.2056del, p.Val686fs (NM_001083603.3); c.1606del, p.Val536fs (NM_001083604.3, NM_001083605.3, NM_001083606.3 and 1 more transcripts); c.1903del, p.Val635fs (NM_001354918.2); short protein forms V635fs, V687fs, V536fs, V621fs, V686fs.
Identifiers: ClinVar variation 2031156 (VCV002031156.4), dbSNP rs2538146800, ClinGen allele CA2580080860.
Genomic context (GRCh38, chr9:95,468,941, plus strand): 5'-GAGCTGGTGCTCTCTGGGCTCTGGCAGCTGAGGGTGTCCTGTGTCACGGTGACGGGCTGC[AC>A]AGAGATCTCGGAGCGCGGCTCAGCGGTGGTGTAGTACACGTGCGTGTGGGGGTCGTACTC-3'